The following is an entry in ClinVar:

ClinVar aggregate classification (germline): Uncertain significance (1 of 4 stars; one submission).

Submission:

Labcorp Genetics (formerly Invitae), Labcorp
Classification: Uncertain significance. Last evaluated: 2025-10-30. Review status: criteria provided, single submitter. Criteria: Invitae Variant Classification Sherloc (09022015). Collection method: clinical testing. Allele origin: germline.
Comment: This sequence change replaces tryptophan, which is neutral and slightly polar, with leucine, which is neutral and non-polar, at codon 1280 of the MTOR protein (p.Trp1280Leu). This variant is not present in population databases (gnomAD no frequency). This variant has not been reported in the literature in individuals affected with MTOR-related conditions. Invitae Evidence Modeling of protein sequence and biophysical properties (such as structural, functional, and spatial information, amino acid conservation, physicochemical variation, residue mobility, and thermodynamic stability) indicates that this missense variant is not expected to disrupt MTOR protein function with a negative predictive value of 95%. In summary, the available evidence is currently insufficient to determine the role of this variant in disease. Therefore, it has been classified as a Variant of Uncertain Significance.

NM_004958.4(MTOR):c.3839G>T (p.Trp1280Leu)

Gene: MTOR (mechanistic target of rapamycin kinase; minus strand). Cytogenetic location: 1p36.22.
Variant type: single nucleotide variant.
Coding change: c.3839G>T on transcript NM_004958.4 (MANE Select); coding-DNA position 3839, G replaced by T.
Protein change: p.Trp1280Leu; replaces tryptophan 1280 with leucine.
Molecular consequence: missense variant.
Genome position (GRCh38, 1-based): chr1:11,204,666, C>A on the plus strand (G>T on the coding strand, the complement: MTOR is on the minus strand). VCF-style: chr1-11204666-C-A. GRCh37 (hg19) VCF-style: chr1-11264723-C-A.
Other names: c.3839G>T, p.Trp1280Leu (NM_001386500.1); c.2591G>T, p.Trp864Leu (NM_001386501.1); short protein forms W1280L, W864L.
Identifiers: ClinVar variation 4799834 (VCV004799834.1).